The following is an entry in ClinVar:

ClinVar aggregate classification (germline): Uncertain significance (1 of 4 stars; one submission).

Allele frequency attached by ClinVar (database versions not stated): gnomAD exomes below 0.00001 and 0.00001; ExAC 0.00001; gnomAD 0.00002; TOPMed 0.00004.
gnomAD v4.1: 7 of 1,614,012 alleles (0.00043%); highest among the groups gnomAD compares: African/African-American, 0.0067%; no homozygotes.

Submission:

Labcorp Genetics (formerly Invitae), Labcorp
Classification: Uncertain significance. Last evaluated: 2022-08-16. Review status: criteria provided, single submitter. Criteria: Invitae Variant Classification Sherloc (09022015). Collection method: clinical testing. Allele origin: germline.
Comment: This sequence change replaces methionine, which is neutral and non-polar, with isoleucine, which is neutral and non-polar, at codon 667 of the TUBGCP4 protein (p.Met667Ile). This variant is present in population databases (rs767052008, gnomAD 0.007%). This variant has not been reported in the literature in individuals affected with TUBGCP4-related conditions. ClinVar contains an entry for this variant (Variation ID: 1053716). Algorithms developed to predict the effect of missense changes on protein structure and function output the following: SIFT: "Tolerated"; PolyPhen-2: "Benign"; Align-GVGD: "Class C0". The isoleucine amino acid residue is found in multiple mammalian species, which suggests that this missense change does not adversely affect protein function. In summary, the available evidence is currently insufficient to determine the role of this variant in disease. Therefore, it has been classified as a Variant of Uncertain Significance.

NM_014444.5(TUBGCP4):c.1998G>A (p.Met666Ile)

Genes: TP53BP1 (tumor protein p53 binding protein 1; minus strand), TUBGCP4 (tubulin gamma complex component 4; plus strand). Cytogenetic location: 15q15.3.
Variant type: single nucleotide variant.
Coding change: c.1998G>A on transcript NM_014444.5 (MANE Select); coding-DNA position 1998, G replaced by A.
Protein change: p.Met666Ile; replaces methionine 666 with isoleucine.
Molecular consequence: missense variant. On other transcripts: 3 prime UTR variant (5).
Genome position (GRCh38, 1-based): chr15:43,405,211, G>A. VCF-style: chr15-43405211-G-A. GRCh37 (hg19) VCF-style: chr15-43697409-G-A.
Other names: c.2001G>A, p.Met667Ile (NM_001286414.3); c.*2172C>T (NM_001141979.3, NM_001141980.3, NM_001355001.2 and 2 more transcripts); short protein forms M666I, M667I.
Identifiers: ClinVar variation 1053716 (VCV001053716.6), dbSNP rs767052008, ClinGen allele CA7524275.